The following is an entry in ClinVar:

ClinVar aggregate classification (germline): Uncertain significance (0 of 4 stars; one submission).

Conditions:
KIDINS220-related disorder. Also called: KIDINS220-related condition.

Submission:

PreventionGenetics, part of Exact Sciences
Classification: Uncertain significance for KIDINS220-related condition. Last evaluated: 2024-05-31. Review status: no assertion criteria provided. Collection method: clinical testing. Allele origin: germline.
Comment: The KIDINS220 c.5242G>A variant is predicted to result in the amino acid substitution p.Asp1748Asn. To our knowledge, this variant has not been reported in the literature or in a large population database, indicating this variant is rare. At this time, the clinical significance of this variant is uncertain due to the absence of conclusive functional and genetic evidence.

NM_020738.4(KIDINS220):c.5242G>A (p.Asp1748Asn)

Gene: KIDINS220 (kinase D interacting substrate 220; minus strand). Cytogenetic location: 2p25.1.
Variant type: single nucleotide variant.
Coding change: c.5242G>A on transcript NM_020738.4 (MANE Select); coding-DNA position 5242, G replaced by A.
Protein change: p.Asp1748Asn; replaces aspartic acid 1748 with asparagine.
Molecular consequence: missense variant. On other transcripts: intron variant (6).
Genome position (GRCh38, 1-based): chr2:8,730,794, C>T on the plus strand (G>A on the coding strand, the complement: KIDINS220 is on the minus strand). VCF-style: chr2-8730794-C-T. GRCh37 (hg19) VCF-style: chr2-8870924-C-T.
Other names: c.5245G>A, p.Asp1749Asn (NM_001348729.2); c.5188G>A, p.Asp1730Asn (NM_001348731.2); c.5185G>A, p.Asp1729Asn (NM_001348732.2); c.5074G>A, p.Asp1692Asn (NM_001348734.2); c.5071G>A, p.Asp1691Asn (NM_001348735.2); c.4945G>A, p.Asp1649Asn (NM_001348736.2); c.3882+2650G>A (NM_001348741.2, NM_001348742.2, NM_001348743.2); c.3996+2650G>A (NM_001348738.2); and 1 more; short protein forms D1649N, D1691N, D1692N, D1729N, D1730N, D1748N, D1749N.
Identifiers: ClinVar variation 3346396 (VCV003346396.1).